The following is an entry in ClinVar:

ClinVar aggregate classification (germline): Likely pathogenic (1 of 4 stars; one submission).

Allele frequency attached by ClinVar (database versions not stated): gnomAD 0.00001.

Submission:

GeneDx
Classification: Likely pathogenic. Last evaluated: 2024-02-12. Review status: criteria provided, single submitter. Criteria: GeneDx Variant Classification Process June 2021. Collection method: clinical testing. Allele origin: germline. Affected: yes.
Comment: Reported in the heterozygous state in a patient with tachypnea, difficulty feeding, and failure to thrive and was inherited from father with scoliosis, heart murmur and intellectual disability (Mehta et al., 2022); Not observed at significant frequency in large population cohorts (gnomAD); In silico analysis supports that this missense variant has a deleterious effect on protein structure/function; This variant is associated with the following publications: (PMID: Mehta2022[poster])

NM_001348768.2(HECW2):c.2581C>T (p.Arg861Trp)

Gene: HECW2 (HECT, C2 and WW domain containing E3 ubiquitin protein ligase 2; minus strand). Cytogenetic location: 2q32.3.
Variant type: single nucleotide variant.
Coding change: c.2581C>T on transcript NM_001348768.2 (MANE Select); coding-DNA position 2581, C replaced by T.
Protein change: p.Arg861Trp; replaces arginine 861 with tryptophan.
Molecular consequence: missense variant.
Genome position (GRCh38, 1-based): chr2:196,307,939, G>A on the plus strand (C>T on the coding strand, the complement: HECW2 is on the minus strand). VCF-style: chr2-196307939-G-A. GRCh37 (hg19) VCF-style: chr2-197172663-G-A.
Other names: c.1513C>T, p.Arg505Trp (NM_001304840.3); c.2581C>T, p.Arg861Trp (NM_020760.4); short protein forms R861W, R505W.
Identifiers: ClinVar variation 391956 (VCV000391956.4), dbSNP rs1057524302, ClinGen allele CA16604090.